The following is an entry in ClinVar:

NM_019594.4(LRRC8A):c.908C>T (p.Thr303Met)

Gene: LRRC8A (leucine rich repeat containing 8 VRAC subunit A; plus strand). Cytogenetic location: 9q34.11.
Variant type: single nucleotide variant.
Coding change: c.908C>T on transcript NM_019594.4 (MANE Select); coding-DNA position 908, C replaced by T.
Protein change: p.Thr303Met; replaces threonine 303 with methionine.
Molecular consequence: missense variant.
Genome position (GRCh38, 1-based): chr9:128,908,072, C>T. VCF-style: chr9-128908072-C-T. GRCh37 (hg19) VCF-style: chr9-131670351-C-T.
Other names: c.908C>T (NM_001127244.1); c.908C>T, p.Thr303Met (NM_001127244.2, NM_001127245.2); short protein forms T303M.
Identifiers: ClinVar variation 2159991 (VCV002159991.5), dbSNP rs771228754, ClinGen allele CA5270798.
Genomic context (GRCh38, chr9:128,908,072, plus strand): 5'-TCTACTACGTGCACAACATCAAGTTCGACGTGGACTGCACCGTGGACATTGAGAGCCTGA[C>T]GGGCTACCGCACCTACCGCTGTGCCCACCCCCTGGCCACACTCTTCAAGATCCTGGCGTC-3'
Protein context (NP_062540.2, residues 293-313): VDCTVDIESL[Thr303Met]GYRTYRCAHP

ClinVar aggregate classification (germline): Uncertain significance. Review status: criteria provided, multiple submitters, no conflicts (2 of 4 stars). 2 submissions from 2 submitters: Uncertain significance (2). Last evaluated 2025-12-30.

Allele frequency attached by ClinVar (database versions not stated): TOPMed 0.00003; gnomAD 0.00005.
gnomAD v4.1: 30 of 1,613,946 alleles (0.0019%); highest among the groups gnomAD compares: Admixed American, 0.017%; no homozygotes.

Submissions (2):

Labcorp Genetics (formerly Invitae), Labcorp
Classification: Uncertain significance. Last evaluated: 2025-12-30. Review status: criteria provided, single submitter. Criteria: Invitae Variant Classification Sherloc (09022015). Collection method: clinical testing. Allele origin: germline.
Comment: This sequence change replaces threonine, which is neutral and polar, with methionine, which is neutral and non-polar, at codon 303 of the LRRC8A protein (p.Thr303Met). This variant is present in population databases (rs771228754, gnomAD 0.02%). This variant has not been reported in the literature in individuals affected with LRRC8A-related conditions. ClinVar contains an entry for this variant (Variation ID: 2159991). An algorithm developed to predict the effect of missense changes on protein structure and function (PolyPhen-2) suggests that this variant is likely to be disruptive. In summary, the available evidence is currently insufficient to determine the role of this variant in disease. Therefore, it has been classified as a Variant of Uncertain Significance.

Ambry Genetics
Classification: Uncertain significance. Last evaluated: 2021-06-22. Review status: criteria provided, single submitter. Criteria: Ambry Variant Classification Scheme 2023. Collection method: clinical testing. Allele origin: germline.